The following is an entry in ClinVar:

NM_022124.6(CDH23):c.7909G>A (p.Ala2637Thr)

Genes: CDH23 (cadherin related 23; plus strand), LOC111982869 (Sharpr-MPRA regulatory region 2121; plus strand). Cytogenetic location: 10q22.1.
Variant type: single nucleotide variant.
Coding change: c.7909G>A on transcript NM_022124.6 (MANE Select); coding-DNA position 7909, G replaced by A.
Protein change: p.Ala2637Thr; replaces alanine 2637 with threonine.
Molecular consequence: missense variant.
Genome position (GRCh38, 1-based): chr10:71,805,842, G>A. VCF-style: chr10-71805842-G-A. GRCh37 (hg19) VCF-style: chr10-73565599-G-A.
Other names: c.1189G>A, p.Ala397Thr (NM_001171933.1, NM_001171934.1); c.7909G>A (NM_022124.5); short protein forms A397T, A2637T.
Identifiers: ClinVar variation 2163745 (VCV002163745.4), dbSNP rs1296248847, ClinGen allele CA377161935.
Genomic context (GRCh38, chr10:71,805,842, plus strand): 5'-CCTTCCTCCCCATGCTCCCCACAGGAGATCCCGCTGCGCTCCAACGTGTACGAGGTCTAC[G>A]CCACGGACAAGGATGAGGGCCTCAACGGGGCGGTGCGCTACAGCTTCCTGAAGACTGCGG-3'
Protein context (NP_071407.4, residues 2627-2647): PLRSNVYEVY[Ala2637Thr]TDKDEGLNGA

ClinVar aggregate classification (germline): Uncertain significance. Review status: criteria provided, multiple submitters, no conflicts (2 of 4 stars). 2 submissions from 2 submitters: Uncertain significance (2). Last evaluated 2026-07-05.

Conditions:
CDH23-related disorder. Also called: CDH23-related condition; CDH23-related disorders.

gnomAD v4.1: 3 of 1,613,750 alleles (0.00019%); highest among the groups gnomAD compares: Non-Finnish European, 0.00025%; no homozygotes.

Submissions (2):

PreventionGenetics, part of Exact Sciences
Classification: Uncertain significance for CDH23-related condition. Last evaluated: 2026-07-05. Review status: criteria provided, single submitter. Criteria: ACMG Guidelines, 2015. Collection method: clinical testing. Allele origin: germline.
Comment: The CDH23 c.7909G>A variant is predicted to result in the amino acid substitution p.Ala2637Thr. To our knowledge, this variant has not been reported in the literature or population database gnomAD, indicating that this variant is rare. At this time, the clinical significance of this variant is uncertain due to the absence of conclusive functional and genetic evidence.

Labcorp Genetics (formerly Invitae), Labcorp
Classification: Uncertain significance. Last evaluated: 2024-08-21. Review status: criteria provided, single submitter. Criteria: Invitae Variant Classification Sherloc (09022015). Collection method: clinical testing. Allele origin: germline.
Comment: This sequence change replaces alanine, which is neutral and non-polar, with threonine, which is neutral and polar, at codon 2637 of the CDH23 protein (p.Ala2637Thr). This variant is not present in population databases (gnomAD no frequency). This variant has not been reported in the literature in individuals affected with CDH23-related conditions. ClinVar contains an entry for this variant (Variation ID: 2163745). Invitae Evidence Modeling of protein sequence and biophysical properties (such as structural, functional, and spatial information, amino acid conservation, physicochemical variation, residue mobility, and thermodynamic stability) has been performed for this missense variant. However, the output from this modeling did not meet the statistical confidence thresholds required to predict the impact of this variant on CDH23 protein function. In summary, the available evidence is currently insufficient to determine the role of this variant in disease. Therefore, it has been classified as a Variant of Uncertain Significance.